The following is an entry in ClinVar:

ClinVar aggregate classification (germline): Uncertain significance (1 of 4 stars; one submission).

Conditions:
Inborn genetic diseases. Identifiers: MedGen C0950123, MeSH D030342.

gnomAD v4.1: 3 of 1,610,554 alleles (0.00019%); highest among the groups gnomAD compares: East Asian, 0.0045%; no homozygotes.

Submission:

Ambry Genetics
Classification: Uncertain significance for Inborn genetic diseases. Last evaluated: 2026-01-05. Review status: criteria provided, single submitter. Criteria: Ambry Variant Classification Scheme 2023. Collection method: clinical testing. Allele origin: germline.
Comment: The c.1516G>T (p.A506S) alteration is located in exon 4 (coding exon 4) of the ADCY5 gene. This alteration results from a G to T substitution at nucleotide position 1516, causing the alanine (A) at amino acid position 506 to be replaced by a serine (S). Based on data from gnomAD, the T allele has an overall frequency of <0.001% (1/249090) total alleles studied. The highest observed frequency was <0.001% (/) of alleles. Based on insufficient or conflicting evidence, the clinical significance of this alteration remains unclear.

NM_183357.3(ADCY5):c.1516G>T (p.Ala506Ser)

Gene: ADCY5 (adenylate cyclase 5; minus strand). Cytogenetic location: 3q21.1.
Variant type: single nucleotide variant.
Coding change: c.1516G>T on transcript NM_183357.3 (MANE Select); coding-DNA position 1516, G replaced by T.
Protein change: p.Ala506Ser; replaces alanine 506 with serine.
Molecular consequence: missense variant.
Genome position (GRCh38, 1-based): chr3:123,332,566, C>A on the plus strand (G>T on the coding strand, the complement: ADCY5 is on the minus strand). VCF-style: chr3-123332566-C-A. GRCh37 (hg19) VCF-style: chr3-123051413-C-A.
Other names: c.466G>T, p.Ala156Ser (NM_001199642.1); c.1516G>T, p.Ala506Ser (NM_001378259.1); short protein forms A156S, A506S.
Identifiers: ClinVar variation 4839051 (VCV004839051.1).
Genomic context (GRCh38, chr3:123,332,566, plus strand): 5'-CAGCCTCCCTCAACAGCCCAGGTCAGGCCACCCCAACCCCCGGCTCAGGGTGACTCACTG[C>A]GGCCAGCTTGTCAAAGCGGGCGAAGAGCTCGTTGAGGGTCATGACCAGTTCCTGTGCAGT-3'
Protein context (NP_899200.1, residues 496-516): ELFARFDKLA[Ala506Ser]ENHCLRIKIL